The following is an entry in ClinVar:

NM_005228.5(EGFR):c.467T>C (p.Leu156Pro)

Gene: EGFR (epidermal growth factor receptor; plus strand). Cytogenetic location: 7p11.2.
Variant type: single nucleotide variant.
Coding change: c.467T>C on transcript NM_005228.5 (MANE Select); coding-DNA position 467, T replaced by C.
Protein change: p.Leu156Pro; replaces leucine 156 with proline.
Molecular consequence: missense variant. On other transcripts: intron variant (3).
Genome position (GRCh38, 1-based): chr7:55,146,648, T>C. VCF-style: chr7-55146648-T-C. GRCh37 (hg19) VCF-style: chr7-55214341-T-C.
Other names: c.467T>C, p.Leu156Pro (NM_001346898.2, NM_201282.2, NM_201283.2 and 1 more transcripts); c.308T>C, p.Leu103Pro (NM_001346900.2); c.424+3160T>C (NM_001346899.2, NM_001346897.2); c.89-9182T>C (NM_001346941.2); short protein forms L103P, L156P.
Identifiers: ClinVar variation 862740 (VCV000862740.9), dbSNP rs1794778165, ClinGen allele CA367576547.

ClinVar aggregate classification (germline): Uncertain significance (1 of 4 stars; one submission).

Conditions:
EGFR-related lung cancer (EGFR). Identifiers: MedGen CN130014.

Submission:

Labcorp Genetics (formerly Invitae), Labcorp
Classification: Uncertain significance for EGFR-related lung cancer. Last evaluated: 2023-10-13. Review status: criteria provided, single submitter. Criteria: Invitae Variant Classification Sherloc (09022015). Collection method: clinical testing. Allele origin: germline.
Comment: This sequence change replaces leucine, which is neutral and non-polar, with proline, which is neutral and non-polar, at codon 156 of the EGFR protein (p.Leu156Pro). This variant is not present in population databases (gnomAD no frequency). This variant has not been reported in the literature in individuals affected with EGFR-related conditions. ClinVar contains an entry for this variant (Variation ID: 862740). An algorithm developed to predict the effect of missense changes on protein structure and function (PolyPhen-2) suggests that this variant is likely to be disruptive. In summary, the available evidence is currently insufficient to determine the role of this variant in disease. Therefore, it has been classified as a Variant of Uncertain Significance.